The following is an entry in ClinVar:

NM_032270.5(LRRC8C):c.2245G>T (p.Gly749Ter)

Gene: LRRC8C (leucine rich repeat containing 8 VRAC subunit C; plus strand). Cytogenetic location: 1p22.2.
Variant type: single nucleotide variant.
Coding change: c.2245G>T on transcript NM_032270.5 (MANE Select); coding-DNA position 2245, G replaced by T.
Protein change: p.Gly749Ter; replaces glycine 749 with a stop codon.
Molecular consequence: nonsense.
Genome position (GRCh38, 1-based): chr1:89,714,815, G>T. VCF-style: chr1-89714815-G-T. GRCh37 (hg19) VCF-style: chr1-90180374-G-T.
Other names: short protein forms G749*.
Identifiers: ClinVar variation 4881800 (VCV004881800.2).

ClinVar aggregate classification (germline): Uncertain significance (1 of 4 stars; one submission).

Submission:

Dasa
Classification: Uncertain significance. Last evaluated: 2025-04-12. Review status: criteria provided, single submitter. Criteria: DASA Assertion Criteria. Collection method: clinical testing. Allele origin: germline.
Comment: NM_032270.5(LRRC8C):c.2245G>T (p.Gly749*) is a nonsense variant in LRRC8C predicted to introduce a premature termination codon. This variant is absent from population databases. The currently available literature and clinical evidence are not sufficient to establish a definitive association between this variant and the reported condition. Therefore, this variant is classified as a variant of uncertain significance.